The following is an entry in ClinVar:

NM_007294.4(BRCA1):c.1400A>G (p.Lys467Arg)

Gene: BRCA1 (BRCA1 DNA repair associated; minus strand). Cytogenetic location: 17q21.31.
Variant type: single nucleotide variant.
Coding change: c.1400A>G on transcript NM_007294.4 (MANE Select); coding-DNA position 1400, A replaced by G.
Protein change: p.Lys467Arg; replaces lysine 467 with arginine.
Molecular consequence: missense variant. On other transcripts: intron variant (137).
Genome position (GRCh38, 1-based): chr17:43,094,131, T>C on the plus strand (A>G on the coding strand, the complement: BRCA1 is on the minus strand). VCF-style: chr17-43094131-T-C. GRCh37 (hg19) VCF-style: chr17-41246148-T-C.
Other names: c.1187A>G, p.Lys396Arg (NM_001407571.1, NM_001407853.1, NM_001407894.1 and 9 more transcripts); c.1400A>G, p.Lys467Arg (NM_001407581.1, NM_001407582.1, NM_001407583.1 and 30 more transcripts); c.1397A>G, p.Lys466Arg (NM_001407587.1, NM_001407590.1, NM_001407591.1 and 22 more transcripts); c.1391A>G, p.Lys464Arg (NM_001407646.1, NM_001407647.1); c.1277A>G, p.Lys426Arg (NM_001407648.1, NM_001407664.1, NM_001407665.1 and 19 more transcripts); c.1274A>G, p.Lys425Arg (NM_001407649.1, NM_001407670.1, NM_001407671.1 and 11 more transcripts); c.1322A>G, p.Lys441Arg (NM_001407653.1, NM_001407654.1, NM_001407655.1 and 4 more transcripts); c.1319A>G, p.Lys440Arg (NM_001407659.1, NM_001407660.1, NM_001407661.1 and 1 more transcripts); and 40 more; short protein forms K467R, K420R, K299R, K340R, K355R, K379R, K419R, K440R.
Identifiers: ClinVar variation 231714 (VCV000231714.16), dbSNP rs876659316, ClinGen allele CA10580667.

ClinVar aggregate classification (germline): Conflicting classifications of pathogenicity. Review status: criteria provided, conflicting classifications (1 of 4 stars). 4 submissions from 4 submitters: Uncertain significance (1); Likely benign (3). Last evaluated 2024-05-02.

Conditions:
Hereditary cancer-predisposing syndrome. Also called: Neoplastic Syndromes, Hereditary; Tumor predisposition; Hereditary Cancer Syndrome; Hereditary neoplastic syndrome. Identifiers: Orphanet 140162, MedGen C0027672, MeSH D009386, MONDO:0015356.
Hereditary breast ovarian cancer syndrome. Also called: BRCA1- and BRCA2-Associated Hereditary Breast and Ovarian Cancer; Hereditary breast and ovarian cancer syndrome; Hereditary breast and ovarian cancer; Hereditary breast and ovarian cancer syndrome (HBOC); Breast and ovarian cancer; Hereditary breast and/or ovarian cancer syndrome. Identifiers: Orphanet 145, MedGen C0677776, MeSH D061325, MONDO:0003582. Disease mechanism: loss of function.

Submissions (4):

German Consortium for Hereditary Breast and Ovarian Cancer, University Hospital Cologne
Classification: Likely benign for Hereditary breast ovarian cancer syndrome. Last evaluated: 2024-05-02. Review status: criteria provided, single submitter. Criteria: ClinGen BRCA1 V1.0.0. Collection method: curation. Allele origin: germline.
Comment: According to the ClinGen ENIGMA BRCA1 v1.0.0 criteria we chose these criteria: PM2 (supporting pathogenic): absent from gnomAD, BP1 (strong benign): missense or in-frame insertion, deletion or delins variants outside a (potentially) clinically important functional domain AND no splicing predicted (SpliceAI ≤0.1)

University of Washington Department of Laboratory Medicine, University of Washington
Classification: Likely benign for Hereditary cancer-predisposing syndrome. Last evaluated: 2023-03-23. Review status: criteria provided, single submitter. Criteria: Dines et al. (Genet Med. 2020). Collection method: curation. Allele origin: germline.
Comment: Missense variant in a coldspot region where missense variants are very unlikely to be pathogenic (PMID:31911673).

BRCA1 coldspot (exon 11 using historical exon numbering). Reclassification based on statistical prior probability

Labcorp Genetics (formerly Invitae), Labcorp
Classification: Uncertain significance for Hereditary breast ovarian cancer syndrome. Last evaluated: 2022-08-20. Review status: criteria provided, single submitter. Criteria: Invitae Variant Classification Sherloc (09022015). Collection method: clinical testing. Allele origin: germline.
Comment: This variant is not present in population databases (gnomAD no frequency). This sequence change replaces lysine, which is basic and polar, with arginine, which is basic and polar, at codon 467 of the BRCA1 protein (p.Lys467Arg). This variant has not been reported in the literature in individuals affected with BRCA1-related conditions. In summary, the available evidence is currently insufficient to determine the role of this variant in disease. Therefore, it has been classified as a Variant of Uncertain Significance. Advanced modeling of protein sequence and biophysical properties (such as structural, functional, and spatial information, amino acid conservation, physicochemical variation, residue mobility, and thermodynamic stability) performed at Invitae indicates that this missense variant is not expected to disrupt BRCA1 protein function. ClinVar contains an entry for this variant (Variation ID: 231714).

Ambry Genetics
Classification: Likely benign for Hereditary cancer-predisposing syndrome. Last evaluated: 2018-04-30. Review status: criteria provided, single submitter. Criteria: Ambry Variant Classification Scheme 2023. Collection method: clinical testing. Allele origin: germline.